The following is an entry in ClinVar:

ClinVar aggregate classification (germline): Uncertain significance (1 of 4 stars; one submission).

Allele frequency attached by ClinVar (database versions not stated): gnomAD exomes below 0.00001; ExAC 0.00001.
gnomAD v4.1: 3 of 1,613,494 alleles (0.00019%); highest among the groups gnomAD compares: Non-Finnish European, 0.00025%; no homozygotes.

Submission:

CeGaT Center for Human Genetics Tuebingen
Classification: Uncertain significance. Last evaluated: 2023-03-01. Review status: criteria provided, single submitter. Criteria: CeGaT Center For Human Genetics Tuebingen Variant Classification Criteria Version 2. Collection method: clinical testing. Allele origin: germline. Affected: yes. Observed: 1 variant allele.
Comment: SCNN1A: PM2

NM_001038.6(SCNN1A):c.131A>C (p.Glu44Ala)

Gene: SCNN1A (sodium channel epithelial 1 subunit alpha; minus strand). Cytogenetic location: 12p13.31.
Variant type: single nucleotide variant.
Coding change: c.131A>C on transcript NM_001038.6 (MANE Select); coding-DNA position 131, A replaced by C.
Protein change: p.Glu44Ala; replaces glutamic acid 44 with alanine.
Molecular consequence: missense variant.
Genome position (GRCh38, 1-based): chr12:6,374,653, T>G on the plus strand (A>C on the coding strand, the complement: SCNN1A is on the minus strand). VCF-style: chr12-6374653-T-G. GRCh37 (hg19) VCF-style: chr12-6483819-T-G.
Other names: c.200A>C, p.Glu67Ala (NM_001159575.2); c.308A>C, p.Glu103Ala (NM_001159576.2); short protein forms E103A, E44A, E67A.
Identifiers: ClinVar variation 2642615 (VCV002642615.24), dbSNP rs771345288, ClinGen allele CA6406296.